The following is an entry in ClinVar:

ClinVar aggregate classification (germline): Likely pathogenic (1 of 4 stars; one submission).

Conditions:
Complex cortical dysplasia with other brain malformations 6. Identifiers: MedGen C4014283, MONDO:0014341, OMIM 615771.

Submission:

Clinical Genomics Laboratory, Washington University in St. Louis
Classification: Likely pathogenic for Complex cortical dysplasia with other brain malformations 6. Last evaluated: 2024-05-14. Review status: criteria provided, single submitter. Criteria: ACMG Guidelines, 2015. Collection method: clinical testing. Allele origin: germline. Affected: yes.
Comment: The TUBB c.245G>T (p.Gly82Val) variant, to our knowledge, has not been reported in the medical literature and is absent from the general population (gnomAD v.2.1.1), indicating it is not a common variant. Computational predictors indicate that the variant is damaging, evidence that correlates with impact to TUBB function. Based on available information and the ACMG/AMP guidelines for variant interpretation (Richards S et al., PMID: 25741868), this variant is classified as likely pathogenic.

NM_178014.4(TUBB):c.245G>T (p.Gly82Val)

Gene: TUBB (tubulin beta class I; plus strand). Cytogenetic location: 6p21.33.
Variant type: single nucleotide variant.
Coding change: c.245G>T on transcript NM_178014.4 (MANE Select); coding-DNA position 245, G replaced by T.
Protein change: p.Gly82Val; replaces glycine 82 with valine.
Molecular consequence: missense variant. On other transcripts: non-coding transcript variant (1).
Genome position (GRCh38, 1-based): chr6:30,722,996, G>T. VCF-style: chr6-30722996-G-T. GRCh37 (hg19) VCF-style: chr6-30690773-G-T.
Other names: c.305G>T, p.Gly102Val (NM_001293212.2); c.245G>T, p.Gly82Val (NM_001293213.2); c.113G>T, p.Gly38Val (NM_001293214.2); c.29G>T, p.Gly10Val (NM_001293215.2, NM_001293216.2); short protein forms G102V, G10V, G38V, G82V.
Identifiers: ClinVar variation 3600528 (VCV003600528.1).